The following is an entry in ClinVar:

NM_014028.4(OSTM1):c.*1352A>G

Gene: OSTM1 (osteoclastogenesis associated transmembrane protein 1; minus strand). Cytogenetic location: 6q21.
Variant type: single nucleotide variant.
Coding change: c.*1352A>G on transcript NM_014028.4 (MANE Select); 1352 bases downstream of the stop codon, A replaced by G.
Molecular consequence: 3 prime UTR variant.
Genome position (GRCh38, 1-based): chr6:108,043,433, T>C on the plus strand (A>G on the coding strand, the complement: OSTM1 is on the minus strand). VCF-style: chr6-108043433-T-C. GRCh37 (hg19) VCF-style: chr6-108364637-T-C.
Identifiers: ClinVar variation 354964 (VCV000354964.5), dbSNP rs9372179, ClinGen allele CA10625671.

ClinVar aggregate classification (germline): Benign (1 of 4 stars; one submission).

Conditions:
Autosomal recessive osteopetrosis 5. Identifiers: Orphanet 85179, MedGen C1968603, MONDO:0009817, OMIM 259720.

Allele frequency attached by ClinVar (database versions not stated): gnomAD 0.03746 and 0.04052; TOPMed 0.05310; 1000 Genomes Project 0.07568; 1000 Genomes Project 30x 0.07901.

Submission:

Illumina Laboratory Services, Illumina
Classification: Benign for Autosomal recessive osteopetrosis 5. Last evaluated: 2018-01-13. Review status: criteria provided, single submitter. Criteria: ICSL Variant Classification Criteria 13 December 2019. Collection method: clinical testing. Allele origin: germline.
Comment: This variant was observed in the ICSL laboratory as part of a predisposition screen in an ostensibly healthy population. It had not been previously curated by ICSL or reported in the Human Gene Mutation Database (HGMD: prior to June 1st, 2018), and was therefore a candidate for classification through an automated scoring system. Utilizing variant allele frequency, disease prevalence and penetrance estimates, and inheritance mode, an automated score was calculated to assess if this variant is too frequent to cause the disease. Based on the score and internal cut-off values, a variant classified as benign is not then subjected to further curation. The score for this variant resulted in a classification of benign for this disease.